The following is an entry in ClinVar:

NM_016247.4(IMPG2):c.2948T>C (p.Leu983Pro)

Gene: IMPG2 (interphotoreceptor matrix proteoglycan 2; minus strand). Cytogenetic location: 3q12.3.
Variant type: single nucleotide variant.
Coding change: c.2948T>C on transcript NM_016247.4 (MANE Select); coding-DNA position 2948, T replaced by C.
Protein change: p.Leu983Pro; replaces leucine 983 with proline.
Molecular consequence: missense variant.
Genome position (GRCh38, 1-based): chr3:101,242,762, A>G on the plus strand (T>C on the coding strand, the complement: IMPG2 is on the minus strand). VCF-style: chr3-101242762-A-G. GRCh37 (hg19) VCF-style: chr3-100961606-A-G.
Other names: short protein forms L983P.
Identifiers: ClinVar variation 1024690 (VCV001024690.8), dbSNP rs1706424097, ClinGen allele CA353853355.

ClinVar aggregate classification (germline): Uncertain significance (1 of 4 stars; one submission).

Submission:

Labcorp Genetics (formerly Invitae), Labcorp
Classification: Uncertain significance. Last evaluated: 2020-07-15. Review status: criteria provided, single submitter. Criteria: Invitae Variant Classification Sherloc (09022015). Collection method: clinical testing. Allele origin: germline.
Comment: In summary, the available evidence is currently insufficient to determine the role of this variant in disease. Therefore, it has been classified as a Variant of Uncertain Significance. Algorithms developed to predict the effect of missense changes on protein structure and function (SIFT, PolyPhen-2, Align-GVGD) all suggest that this variant is likely to be disruptive, but these predictions have not been confirmed by published functional studies and their clinical significance is uncertain. This variant has not been reported in the literature in individuals with IMPG2-related conditions. This variant is not present in population databases (ExAC no frequency). This sequence change replaces leucine with proline at codon 983 of the IMPG2 protein (p.Leu983Pro). The leucine residue is highly conserved and there is a moderate physicochemical difference between leucine and proline.